The following is an entry in ClinVar:

NM_001408.3(CELSR2):c.8217A>C (p.Ser2739=)

Gene: CELSR2 (cadherin EGF LAG seven-pass G-type receptor 2; plus strand). Cytogenetic location: 1p13.3.
Variant type: single nucleotide variant.
Coding change: c.8217A>C on transcript NM_001408.3 (MANE Select); coding-DNA position 8217, A replaced by C.
Protein change: p.Ser2739=; no amino-acid change (serine 2739 retained).
Molecular consequence: synonymous variant.
Genome position (GRCh38, 1-based): chr1:109,272,906, A>C. VCF-style: chr1-109272906-A-C. GRCh37 (hg19) VCF-style: chr1-109815528-A-C.
Identifiers: ClinVar variation 3038188 (VCV003038188.4), dbSNP rs201241773, ClinGen allele CA988505.

ClinVar aggregate classification (germline): Likely benign. Review status: criteria provided, single submitter (1 of 4 stars). 2 submissions from 2 submitters: Likely benign (1). 1 of the submissions does not count toward it. Last evaluated 2024-05-05.

Conditions:
CELSR2-related disorder. Also called: CELSR2-related condition.

Allele frequency attached by ClinVar (database versions not stated): 1000 Genomes Project 0.00020; ExAC 0.00028; 1000 Genomes Project 30x 0.00031; TOPMed 0.00032; gnomAD 0.00036; gnomAD exomes 0.00047.
gnomAD v4.1: 776 of 1,613,880 alleles (0.048%); highest among the groups gnomAD compares: Non-Finnish European, 0.056%; 1 homozygote.

Submissions (2):

Labcorp Genetics (formerly Invitae), Labcorp
Classification: Likely benign. Last evaluated: 2024-05-05. Review status: criteria provided, single submitter. Criteria: Invitae Variant Classification Sherloc (09022015). Collection method: clinical testing. Allele origin: germline.

PreventionGenetics, part of Exact Sciences
Classification: Likely benign for CELSR2-related condition. Last evaluated: 2019-05-02. Review status: no assertion criteria provided. Collection method: clinical testing. Allele origin: germline. Not counted in ClinVar's aggregate classification.
Comment: This variant is classified as likely benign based on ACMG/AMP sequence variant interpretation guidelines (Richards et al. 2015 PMID: 25741868, with internal and published modifications).